The following is an entry in ClinVar:

ClinVar aggregate classification (germline): Likely benign (0 of 4 stars; one submission).

Conditions:
ALMS1-related disorder. Also called: ALMS1-related condition.

gnomAD v4.1: 1 of 1,614,106 alleles (0.000062%); highest among the groups gnomAD compares: Non-Finnish European, 0.000085%; no homozygotes.

Submission:

PreventionGenetics, part of Exact Sciences
Classification: Likely benign for ALMS1-related condition. Last evaluated: 2020-11-17. Review status: no assertion criteria provided. Collection method: clinical testing. Allele origin: germline.
Comment: This variant is classified as likely benign based on ACMG/AMP sequence variant interpretation guidelines (Richards et al. 2015 PMID: 25741868, with internal and published modifications).

NM_001378454.1(ALMS1):c.10917A>G (p.Pro3639=)

Gene: ALMS1 (ALMS1 centrosome and basal body associated protein; plus strand). Cytogenetic location: 2p13.1.
Variant type: single nucleotide variant.
Coding change: c.10917A>G on transcript NM_001378454.1 (MANE Select); coding-DNA position 10917, A replaced by G.
Protein change: p.Pro3639=; no amino-acid change (proline 3639 retained).
Molecular consequence: synonymous variant.
Genome position (GRCh38, 1-based): chr2:73,572,794, A>G. VCF-style: chr2-73572794-A-G. GRCh37 (hg19) VCF-style: chr2-73799921-A-G.
Other names: c.10920A>G, p.Pro3640= (NM_015120.4).
Identifiers: ClinVar variation 3358204 (VCV003358204.1).